The following is an entry in ClinVar:

ClinVar aggregate classification (germline): Uncertain significance (1 of 4 stars; one submission).

Conditions:
Inborn genetic diseases. Identifiers: MedGen C0950123, MeSH D030342.

Submission:

Ambry Genetics
Classification: Uncertain significance for Inborn genetic diseases. Last evaluated: 2021-07-26. Review status: criteria provided, single submitter. Criteria: Ambry Variant Classification Scheme 2023. Collection method: clinical testing. Allele origin: germline.
Comment: The p.A20V variant (also known as c.59C>T), located in coding exon 1 of the ACD gene, results from a C to T substitution at nucleotide position 59. The alanine at codon 20 is replaced by valine, an amino acid with similar properties. This amino acid position is conserved. In addition, this alteration is predicted to be tolerated by in silico analysis. Since supporting evidence is limited at this time, the clinical significance of this alteration remains unclear.

NM_001082486.1(ACD):c.59C>T (p.Ala20Val)

Genes: ACD (ACD shelterin complex subunit and telomerase recruitment factor; minus strand), LOC130059224 (ATAC-STARR-seq lymphoblastoid silent region 7617; plus strand). Cytogenetic location: 16q22.1.
Variant type: single nucleotide variant.
Coding change: c.59C>T on transcript NM_001082486.1; coding-DNA position 59, C replaced by T.
Protein change: p.Ala20Val; replaces alanine 20 with valine.
Genome position (GRCh38, 1-based): chr16:67,660,420, G>A on the plus strand (C>T on the coding strand, the complement: ACD is on the minus strand). VCF-style: chr16-67660420-G-A. GRCh37 (hg19) VCF-style: chr16-67694323-G-A.
Other names: short protein forms A20V.
Identifiers: ClinVar variation 1750965 (VCV001750965.2), dbSNP rs1339104306, ClinGen allele CA396360014.